The following is an entry in ClinVar:

NM_000038.6(APC):c.8263T>C (p.Ser2755Pro)

Gene: APC (APC regulator of Wnt signaling pathway; plus strand). Cytogenetic location: 5q22.2.
Variant type: single nucleotide variant.
Coding change: c.8263T>C on transcript NM_000038.6 (MANE Select); coding-DNA position 8263, T replaced by C.
Protein change: p.Ser2755Pro; replaces serine 2755 with proline.
Molecular consequence: missense variant.
Genome position (GRCh38, 1-based): chr5:112,843,857, T>C. VCF-style: chr5-112843857-T-C. GRCh37 (hg19) VCF-style: chr5-112179554-T-C.
Other names: c.8263T>C, p.Ser2755Pro (NM_001127510.3, NM_001354895.2, NM_001407450.1); c.8209T>C, p.Ser2737Pro (NM_001127511.3); c.8317T>C, p.Ser2773Pro (NM_001354896.2, NM_001407447.1, NM_001407448.1 and 1 more transcripts); c.8293T>C, p.Ser2765Pro (NM_001354897.2); c.8188T>C, p.Ser2730Pro (NM_001354898.2); c.8179T>C, p.Ser2727Pro (NM_001354899.2); c.8140T>C, p.Ser2714Pro (NM_001354900.2); c.8086T>C, p.Ser2696Pro (NM_001354901.2, NM_001407453.1); and 11 more; short protein forms S2371P, S2672P, S2696P, S2737P, S2595P, S2626P, S2664P, S2727P.
Identifiers: ClinVar variation 1762677 (VCV001762677.2), dbSNP rs2150002125, ClinGen allele CA16039264.

ClinVar aggregate classification (germline): Uncertain significance (1 of 4 stars; one submission).

Conditions:
Hereditary cancer-predisposing syndrome. Also called: Neoplastic Syndromes, Hereditary; Tumor predisposition; Hereditary Cancer Syndrome; Hereditary neoplastic syndrome. Identifiers: Orphanet 140162, MedGen C0027672, MeSH D009386, MONDO:0015356.

Submission:

Ambry Genetics
Classification: Uncertain significance for Hereditary cancer-predisposing syndrome. Last evaluated: 2020-08-31. Review status: criteria provided, single submitter. Criteria: Ambry Variant Classification Scheme 2023. Collection method: clinical testing. Allele origin: germline.
Comment: The p.S2755P variant (also known as c.8263T>C), located in coding exon 15 of the APC gene, results from a T to C substitution at nucleotide position 8263. The serine at codon 2755 is replaced by proline, an amino acid with similar properties. This amino acid position is not well conserved in available vertebrate species. In addition, in silico predictors for this gene do not accurately predict pathogenicity. Since supporting evidence is limited at this time, the clinical significance of this alteration remains unclear.